The following is an entry in ClinVar:

ClinVar aggregate classification (germline): Likely benign (1 of 4 stars; one submission).

Submission:

GeneDx
Classification: Likely benign. Last evaluated: 2017-07-10. Review status: criteria provided, single submitter. Criteria: GeneDx Variant Classification (06012015). Collection method: clinical testing. Allele origin: germline. Affected: yes.
Comment: This variant is considered likely benign or benign based on one or more of the following criteria: it is a conservative change, it occurs at a poorly conserved position in the protein, it is predicted to be benign by multiple in silico algorithms, and/or has population frequency not consistent with disease.

NM_020751.3(COG6):c.1826+14G>A

Gene: COG6 (component of oligomeric golgi complex 6; plus strand). Cytogenetic location: 13q14.11.
Variant type: single nucleotide variant.
Coding change: c.1826+14G>A on transcript NM_020751.3 (MANE Select); 14 bases into the intron after coding-DNA position 1826, G replaced by A.
Molecular consequence: intron variant.
Genome position (GRCh38, 1-based): chr13:39,727,562, G>A. VCF-style: chr13-39727562-G-A. GRCh37 (hg19) VCF-style: chr13-40301699-G-A.
Other names: c.1826+14G>A (NM_001145079.2).
Identifiers: ClinVar variation 510588 (VCV000510588.1), dbSNP rs1169729431, ClinGen allele CA658798138.
Genomic context (GRCh38, chr13:39,727,562, plus strand): 5'-AACCTATTGATACCACAGCTGAACTTTCTTCTAAGTGCCACAGTGAAGTAAGTATTTTTG[G>A]TCCCAAGTAGTTGGTAAAGATTCACATATTTTTAAATATCAAGTACATTTTTTTGGAAAA-3'